The following is an entry in ClinVar:

NM_000593.6(TAP1):c.1676G>T (p.Gly559Val)

Gene: TAP1 (transporter 1, ATP binding cassette subfamily B member; minus strand). Cytogenetic location: 6p21.32.
Variant type: single nucleotide variant.
Coding change: c.1676G>T on transcript NM_000593.6 (MANE Select); coding-DNA position 1676, G replaced by T.
Protein change: p.Gly559Val; replaces glycine 559 with valine.
Molecular consequence: missense variant.
Genome position (GRCh38, 1-based): chr6:32,847,983, C>A on the plus strand (G>T on the coding strand, the complement: TAP1 is on the minus strand). VCF-style: chr6-32847983-C-A. GRCh37 (hg19) VCF-style: chr6-32815760-C-A.
Other names: c.1073G>T, p.Gly358Val (NM_001292022.2); short protein forms G358V, G559V.
Identifiers: ClinVar variation 1383568 (VCV001383568.6), dbSNP rs2127387590, ClinGen allele CA363591471.
Genomic context (GRCh38, chr6:32,847,983, plus strand): 5'-CTGTGCAGGTAGCGGTGCTCATATTGGGGAAGGGGCTTCCCATCCAACAGCAGCTGTCCC[C>A]CGGTGGGCTGGTACAGATTCTGCAGCAGGGCAGCCACTGTGCTCTTCCCAGACCCATTGG-3'
Protein context (NP_000584.3, residues 549-569): ALLQNLYQPT[Gly559Val]GQLLLDGKPL

ClinVar aggregate classification (germline): Uncertain significance (1 of 4 stars; one submission).

Conditions:
MHC class I deficiency. Identifiers: Orphanet 34592, MedGen C6024714, MONDO:0011476.

Submission:

Labcorp Genetics (formerly Invitae), Labcorp
Classification: Uncertain significance for MHC class I deficiency 1. Last evaluated: 2022-06-27. Review status: criteria provided, single submitter. Criteria: Invitae Variant Classification Sherloc (09022015). Collection method: clinical testing. Allele origin: germline.
Comment: In summary, the available evidence is currently insufficient to determine the role of this variant in disease. Therefore, it has been classified as a Variant of Uncertain Significance. Algorithms developed to predict the effect of missense changes on protein structure and function are either unavailable or do not agree on the potential impact of this missense change (SIFT: "Tolerated"; PolyPhen-2: "Possibly Damaging"; Align-GVGD: "Class C0"). This sequence change replaces glycine, which is neutral and non-polar, with valine, which is neutral and non-polar, at codon 619 of the TAP1 protein (p.Gly619Val). This variant is not present in population databases (gnomAD no frequency). This variant has not been reported in the literature in individuals affected with TAP1-related conditions.